The following is an entry in ClinVar:

ClinVar aggregate classification (germline): Uncertain significance (1 of 4 stars; one submission).

Conditions:
Cardiovascular phenotype. Identifiers: MedGen CN230736.

Submission:

Ambry Genetics
Classification: Uncertain significance for Cardiovascular phenotype. Last evaluated: 2026-03-12. Review status: criteria provided, single submitter. Criteria: Ambry Variant Classification Scheme 2023. Collection method: clinical testing. Allele origin: germline.
Comment: The p.T1502N variant (also known as c.4505C>A), located in coding exon 26 of the FLNC gene, results from a C to A substitution at nucleotide position 4505. The threonine at codon 1502 is replaced by asparagine, an amino acid with similar properties. This amino acid position is conserved. In addition, the in silico prediction for this alteration is inconclusive. Based on the available evidence, the clinical significance of this variant remains unclear.

NM_001458.5(FLNC):c.4505C>A (p.Thr1502Asn)

Gene: FLNC (filamin C; plus strand). Cytogenetic location: 7q32.1.
Variant type: single nucleotide variant.
Coding change: c.4505C>A on transcript NM_001458.5 (MANE Select); coding-DNA position 4505, C replaced by A.
Protein change: p.Thr1502Asn; replaces threonine 1502 with asparagine.
Molecular consequence: missense variant.
Genome position (GRCh38, 1-based): chr7:128,847,993, C>A. VCF-style: chr7-128847993-C-A. GRCh37 (hg19) VCF-style: chr7-128488047-C-A.
Other names: c.4505C>A, p.Thr1502Asn (NM_001127487.2); short protein forms T1502N.
Identifiers: ClinVar variation 4826691 (VCV004826691.1).
Genomic context (GRCh38, chr7:128,847,993, plus strand): 5'-CCCCTTGCCCAGGTGTGGCCGAGCCTGTGGAGGTGCGGGACAATGGAGATGGCACCCACA[C>A]TGTCCACTACACCCCAGCCACTGACGGGCCCTACACGGTAGCCGTCAAGTATGCTGACCA-3'
Protein context (NP_001449.3, residues 1492-1512): EVRDNGDGTH[Thr1502Asn]VHYTPATDGP